The following is an entry in ClinVar:

ClinVar aggregate classification (germline): Conflicting classifications of pathogenicity. Review status: criteria provided, conflicting classifications (1 of 4 stars). 7 submissions from 7 submitters: Uncertain significance (5); Likely benign (2). Last evaluated 2025-01-23.

Conditions:
CFTR-related disorder (CFTR-RD). Also called: CFTR-related condition; CFTR-related disorders. Identifiers: MedGen C5924204, MONDO:7770004.
Cystic fibrosis (CF). Also called: MUCOVISCIDOSIS. Identifiers: Orphanet 586, MedGen C0010674, MONDO:0009061, OMIM 219700. Disease mechanism: loss of function.

Allele frequency attached by ClinVar (database versions not stated): gnomAD 0.00001; TOPMed 0.00002; ExAC 0.00003; ESP Exome Variant Server 0.00008; gnomAD exomes 0.00004.
gnomAD v4.1: 11 of 1,613,376 alleles (0.00068%); highest among the groups gnomAD compares: East Asian, 0.02%; no homozygotes.

Submissions (7):

Ambry Genetics
Classification: Uncertain significance for Cystic fibrosis. Last evaluated: 2025-01-23. Review status: criteria provided, single submitter. Criteria: Ambry Variant Classification Scheme 2023. Collection method: clinical testing. Allele origin: germline.
Comment: The c.2908+4C>A intronic variant results from a C to A substitution 4 nucleotides after coding exon 17 in the CFTR gene. This nucleotide position is not well conserved in available vertebrate species. In silico splice site analysis predicts that this alteration will not have any significant effect on splicing. Based on the available evidence, the clinical significance of this variant remains unclear.

PreventionGenetics, part of Exact Sciences
Classification: Likely benign for CFTR-related condition. Last evaluated: 2024-10-22. Review status: criteria provided, single submitter. Criteria: ACMG Guidelines, 2015. Collection method: clinical testing. Allele origin: germline.
Comment: This variant is classified as likely benign based on ACMG/AMP sequence variant interpretation guidelines (Richards et al. 2015 PMID: 25741868, with internal and published modifications).

Labcorp Genetics (formerly Invitae), Labcorp
Classification: Uncertain significance for Cystic fibrosis. Last evaluated: 2024-06-24. Review status: criteria provided, single submitter. Criteria: Invitae Variant Classification Sherloc (09022015). Collection method: clinical testing. Allele origin: germline.
Comment: This sequence change falls in intron 17 of the CFTR gene. It does not directly change the encoded amino acid sequence of the CFTR protein. It affects a nucleotide within the consensus splice site. This variant is present in population databases (rs372266030, gnomAD 0.03%). This variant has not been reported in the literature in individuals affected with CFTR-related conditions. ClinVar contains an entry for this variant (Variation ID: 596852). Variants that disrupt the consensus splice site are a relatively common cause of aberrant splicing (PMID: 17576681, 9536098). Algorithms developed to predict the effect of sequence changes on RNA splicing suggest that this variant is not likely to affect RNA splicing. In summary, the available evidence is currently insufficient to determine the role of this variant in disease. Therefore, it has been classified as a Variant of Uncertain Significance.

Women's Health and Genetics/Laboratory Corporation of America, LabCorp
Classification: Uncertain significance. Last evaluated: 2023-05-25. Review status: criteria provided, single submitter. Criteria: LabCorp Variant Classification Summary - May 2015. Collection method: clinical testing. Allele origin: germline.

Mayo Clinic Laboratories, Mayo Clinic
Classification: Uncertain significance. Last evaluated: 2022-10-24. Review status: criteria provided, single submitter. Criteria: ACMG Guidelines, 2015. Collection method: clinical testing. Allele origin: germline. Observed: 1 variant allele.
Comment: BP4, PM2

Blueprint Genetics
Classification: Likely benign. Last evaluated: 2020-01-03. Review status: criteria provided, single submitter. Criteria: ACMG Guidelines, 2015. Collection method: clinical testing. Allele origin: germline.

Eurofins Ntd Llc (ga)
Classification: Uncertain significance. Last evaluated: 2018-04-12. Review status: criteria provided, single submitter. Criteria: EGL ClinVar v180209 classification definitions. Collection method: clinical testing. Allele origin: germline. Observed: 1 variant allele, 1 heterozygote.

Literature cited by the submitters: PubMed 17576681 (cited by Labcorp Genetics (formerly Invitae), Labcorp); PubMed 9536098 (cited by Labcorp Genetics (formerly Invitae), Labcorp).

NM_000492.4(CFTR):c.2908+4C>A

Gene: CFTR (CF transmembrane conductance regulator; plus strand). Cytogenetic location: 7q31.2.
Variant type: single nucleotide variant.
Coding change: c.2908+4C>A on transcript NM_000492.4 (MANE Select); 4 bases into the intron after coding-DNA position 2908, C replaced by A.
Molecular consequence: intron variant.
Genome position (GRCh38, 1-based): chr7:117,603,786, C>A. VCF-style: chr7-117603786-C-A. GRCh37 (hg19) VCF-style: chr7-117243840-C-A.
Identifiers: ClinVar variation 596852 (VCV000596852.14), dbSNP rs372266030, ClinGen allele CA4451310.